The following is an entry in ClinVar:

NM_006939.4(SOS2):c.3215C>T (p.Ala1072Val)

Gene: SOS2 (SOS Ras/Rho guanine nucleotide exchange factor 2; minus strand). Cytogenetic location: 14q21.3.
Variant type: single nucleotide variant.
Coding change: c.3215C>T on transcript NM_006939.4 (MANE Select); coding-DNA position 3215, C replaced by T.
Protein change: p.Ala1072Val; replaces alanine 1072 with valine.
Molecular consequence: missense variant.
Genome position (GRCh38, 1-based): chr14:50,130,623, G>A on the plus strand (C>T on the coding strand, the complement: SOS2 is on the minus strand). VCF-style: chr14-50130623-G-A. GRCh37 (hg19) VCF-style: chr14-50597341-G-A.
Other names: short protein forms A1072V.
Identifiers: ClinVar variation 1436270 (VCV001436270.6), dbSNP rs1798276045, ClinGen allele CA389640691.

ClinVar aggregate classification (germline): Uncertain significance (1 of 4 stars; one submission).

Conditions:
Noonan syndrome 9 (NS9). Identifiers: Orphanet 648, MedGen C4225282, MONDO:0014691, OMIM 616559.

Allele frequency attached by ClinVar (database versions not stated): TOPMed below 0.00001; gnomAD 0.00001.

Submission:

Labcorp Genetics (formerly Invitae), Labcorp
Classification: Uncertain significance for Noonan syndrome 9. Last evaluated: 2025-09-27. Review status: criteria provided, single submitter. Criteria: Invitae Variant Classification Sherloc (09022015). Collection method: clinical testing. Allele origin: germline.
Comment: This sequence change replaces alanine, which is neutral and non-polar, with valine, which is neutral and non-polar, at codon 1072 of the SOS2 protein (p.Ala1072Val). This variant is not present in population databases (gnomAD no frequency). This variant has not been reported in the literature in individuals affected with SOS2-related conditions. ClinVar contains an entry for this variant (Variation ID: 1436270). Invitae Evidence Modeling of protein sequence and biophysical properties (such as structural, functional, and spatial information, amino acid conservation, physicochemical variation, residue mobility, and thermodynamic stability) indicates that this missense variant is not expected to disrupt SOS2 protein function with a negative predictive value of 95%. In summary, the available evidence is currently insufficient to determine the role of this variant in disease. Therefore, it has been classified as a Variant of Uncertain Significance.